The following is an entry in ClinVar:

NM_001142800.2(EYS):c.2861G>T (p.Cys954Phe)

Gene: EYS (eyes shut homolog; minus strand). Cytogenetic location: 6q12.
Variant type: single nucleotide variant.
Coding change: c.2861G>T on transcript NM_001142800.2 (MANE Select); coding-DNA position 2861, G replaced by T.
Protein change: p.Cys954Phe; replaces cysteine 954 with phenylalanine.
Molecular consequence: missense variant.
Genome position (GRCh38, 1-based): chr6:64,886,828, C>A on the plus strand (G>T on the coding strand, the complement: EYS is on the minus strand). VCF-style: chr6-64886828-C-A. GRCh37 (hg19) VCF-style: chr6-65596721-C-A.
Other names: c.2861G>T, p.Cys954Phe (NM_001292009.2); short protein forms C954F.
Identifiers: ClinVar variation 1906465 (VCV001906465.2), dbSNP rs916290468, ClinGen allele CA140377024.

ClinVar aggregate classification (germline): Uncertain significance (1 of 4 stars; one submission).

Allele frequency attached by ClinVar (database versions not stated): gnomAD exomes below 0.00001; gnomAD 0.00001.
gnomAD v4.1: 2 of 1,524,126 alleles (0.00013%); highest among the groups gnomAD compares: Non-Finnish European, 0.00018%; no homozygotes.

Submission:

Labcorp Genetics (formerly Invitae), Labcorp
Classification: Uncertain significance. Last evaluated: 2021-09-24. Review status: criteria provided, single submitter. Criteria: Invitae Variant Classification Sherloc (09022015). Collection method: clinical testing. Allele origin: germline.
Comment: This sequence change replaces cysteine with phenylalanine at codon 954 of the EYS protein (p.Cys954Phe). The cysteine residue is highly conserved and there is a large physicochemical difference between cysteine and phenylalanine. This variant is not present in population databases (ExAC no frequency). This variant has not been reported in the literature in individuals affected with EYS-related conditions. Algorithms developed to predict the effect of missense changes on protein structure and function (SIFT, PolyPhen-2, Align-GVGD) all suggest that this variant is likely to be disruptive. In summary, the available evidence is currently insufficient to determine the role of this variant in disease. Therefore, it has been classified as a Variant of Uncertain Significance.